The following is an entry in ClinVar:

ClinVar aggregate classification (germline): Uncertain significance (1 of 4 stars; one submission).

gnomAD v4.1: 18 of 1,613,760 alleles (0.0011%); highest among the groups gnomAD compares: East Asian, 0.0045%; no homozygotes.

Submission:

Labcorp Genetics (formerly Invitae), Labcorp
Classification: Uncertain significance. Last evaluated: 2025-03-04. Review status: criteria provided, single submitter. Criteria: Invitae Variant Classification Sherloc (09022015). Collection method: clinical testing. Allele origin: germline.
Comment: This sequence change replaces valine, which is neutral and non-polar, with methionine, which is neutral and non-polar, at codon 275 of the PDE6B protein (p.Val275Met). This variant is present in population databases (rs199768318, gnomAD 0.02%). This variant has not been reported in the literature in individuals affected with PDE6B-related conditions. Invitae Evidence Modeling of protein sequence and biophysical properties (such as structural, functional, and spatial information, amino acid conservation, physicochemical variation, residue mobility, and thermodynamic stability) has been performed for this missense variant. However, the output from this modeling did not meet the statistical confidence thresholds required to predict the impact of this variant on PDE6B protein function. In summary, the available evidence is currently insufficient to determine the role of this variant in disease. Therefore, it has been classified as a Variant of Uncertain Significance.

NM_000283.4(PDE6B):c.823G>A (p.Val275Met)

Genes: PDE6B (phosphodiesterase 6B; plus strand), PDE6B-AS1 (PDE6B antisense RNA 1; minus strand). Cytogenetic location: 4p16.3.
Variant type: single nucleotide variant.
Coding change: c.823G>A on transcript NM_000283.4 (MANE Select); coding-DNA position 823, G replaced by A.
Protein change: p.Val275Met; replaces valine 275 with methionine.
Molecular consequence: missense variant. On other transcripts: non-coding transcript variant (2), 5 prime UTR variant (5).
Genome position (GRCh38, 1-based): chr4:653,963, G>A. VCF-style: chr4-653963-G-A. GRCh37 (hg19) VCF-style: chr4-647752-G-A.
Other names: c.823G>A, p.Val275Met (NM_001145291.2, NM_001440547.1, NM_001440548.1); c.-15G>A (NM_001145292.2, NM_001350154.3, NM_001379246.1 and 1 more transcripts); c.-218G>A (NM_001350155.3); short protein forms V275M.
Identifiers: ClinVar variation 4780100 (VCV004780100.1).